The following is an entry in ClinVar:

NM_001879.6(MASP1):c.1309G>A (p.Gly437Arg)

Gene: MASP1 (MBL associated serine protease 1; minus strand). Cytogenetic location: 3q27.3.
Variant type: single nucleotide variant.
Coding change: c.1309G>A on transcript NM_001879.6 (MANE Plus Clinical); coding-DNA position 1309, G replaced by A.
Protein change: p.Gly437Arg; replaces glycine 437 with arginine.
Molecular consequence: missense variant.
Genome position (GRCh38, 1-based): chr3:187,229,892, C>T on the plus strand (G>A on the coding strand, the complement: MASP1 is on the minus strand). VCF-style: chr3-187229892-C-T. GRCh37 (hg19) VCF-style: chr3-186947680-C-T.
Other names: short protein forms G437R.
Identifiers: ClinVar variation 4887902 (VCV004887902.1).

ClinVar aggregate classification (germline): Uncertain significance (1 of 4 stars; one submission).

gnomAD v4.1: 327 of 1,614,162 alleles (0.02%); highest among the groups gnomAD compares: African/African-American, 0.39%; no homozygotes.

Submission:

GeneDx
Classification: Uncertain significance. Last evaluated: 2026-02-07. Review status: criteria provided, single submitter. Criteria: GeneDx Variant Classification Process June 2021. Collection method: clinical testing. Allele origin: germline.
Comment: In silico analysis supports that this missense variant has a deleterious effect on protein structure/function; Reported using an alternate transcript of the gene; Identified in the renal biopsies from two patients with severe hypertension and renal microangiopathy; however, confirmation in the germline was not completed (PMID: 29148534); This variant is associated with the following publications: (PMID: 29148534)